The following is an entry in ClinVar:

ClinVar aggregate classification (germline): Uncertain significance (1 of 4 stars; one submission).

Allele frequency attached by ClinVar (database versions not stated): ExAC 0.00001; gnomAD 0.00001; TOPMed 0.00002; gnomAD exomes 0.00004.
gnomAD v4.1: 57 of 1,613,576 alleles (0.0035%); highest among the groups gnomAD compares: Non-Finnish European, 0.0045%; no homozygotes.

Submission:

Labcorp Genetics (formerly Invitae), Labcorp
Classification: Uncertain significance. Last evaluated: 2021-12-31. Review status: criteria provided, single submitter. Criteria: Invitae Variant Classification Sherloc (09022015). Collection method: clinical testing. Allele origin: germline.
Comment: Algorithms developed to predict the effect of missense changes on protein structure and function are either unavailable or do not agree on the potential impact of this missense change (SIFT: "Deleterious"; PolyPhen-2: "Possibly Damaging"; Align-GVGD: "Class C0"). In summary, the available evidence is currently insufficient to determine the role of this variant in disease. Therefore, it has been classified as a Variant of Uncertain Significance. This variant has not been reported in the literature in individuals affected with MYO1E-related conditions. This sequence change replaces arginine, which is basic and polar, with tryptophan, which is neutral and slightly polar, at codon 712 of the MYO1E protein (p.Arg712Trp). This variant is present in population databases (rs762819433, gnomAD 0.002%).

NM_004998.4(MYO1E):c.2134C>T (p.Arg712Trp)

Gene: MYO1E (myosin IE; minus strand). Cytogenetic location: 15q22.2.
Variant type: single nucleotide variant.
Coding change: c.2134C>T on transcript NM_004998.4 (MANE Select); coding-DNA position 2134, C replaced by T.
Protein change: p.Arg712Trp; replaces arginine 712 with tryptophan.
Molecular consequence: missense variant.
Genome position (GRCh38, 1-based): chr15:59,174,156, G>A on the plus strand (C>T on the coding strand, the complement: MYO1E is on the minus strand). VCF-style: chr15-59174156-G-A. GRCh37 (hg19) VCF-style: chr15-59466355-G-A.
Other names: short protein forms R712W.
Identifiers: ClinVar variation 2202166 (VCV002202166.4), dbSNP rs762819433, ClinGen allele CA7589355.